The following is an entry in ClinVar:

NM_001903.5(CTNNA1):c.2605T>C (p.Leu869=)

Gene: CTNNA1 (catenin alpha 1; plus strand). Cytogenetic location: 5q31.2.
Variant type: single nucleotide variant.
Coding change: c.2605T>C on transcript NM_001903.5 (MANE Select); coding-DNA position 2605, T replaced by C.
Protein change: p.Leu869=; no amino-acid change (leucine 869 retained).
Molecular consequence: synonymous variant. On other transcripts: 3 prime UTR variant (5).
Genome position (GRCh38, 1-based): chr5:138,933,973, T>C. VCF-style: chr5-138933973-T-C. GRCh37 (hg19) VCF-style: chr5-138269662-T-C.
Other names: c.*150T>C (NM_001290307.3, NM_001324002.1, NM_001324003.1 and 2 more transcripts); c.2296T>C, p.Leu766= (NM_001290309.3); c.2236T>C, p.Leu746= (NM_001290310.3); c.1495T>C, p.Leu499= (NM_001290312.1, NM_001323987.1, NM_001323988.1 and 12 more transcripts); c.2605T>C, p.Leu869= (NM_001323982.2, NM_001323983.1, NM_001323984.2); c.2578T>C, p.Leu860= (NM_001323985.2); c.2512T>C, p.Leu838= (NM_001323986.2); c.1360T>C, p.Leu454= (NM_001324001.1); and 3 more.
Identifiers: ClinVar variation 415350 (VCV000415350.17), dbSNP rs756274664, ClinGen allele CA3432272.

ClinVar aggregate classification (germline): Benign/Likely benign. Review status: criteria provided, multiple submitters, no conflicts (2 of 4 stars). 5 submissions from 5 submitters: Benign (1); Likely benign (4). Last evaluated 2026-07-01.

Conditions:
Hereditary cancer-predisposing syndrome. Also called: Hereditary neoplastic syndrome; Neoplastic Syndromes, Hereditary; Hereditary Cancer Syndrome; Tumor predisposition. Identifiers: Orphanet 140162, MedGen C0027672, MeSH D009386, MONDO:0015356.
Hereditary diffuse gastric adenocarcinoma (HDGC). Also called: DIFFUSE GASTRIC AND LOBULAR BREAST CANCER SYNDROME. Identifiers: Orphanet 26106, MedGen C1708349, MONDO:0007648, OMIM 137215.

Allele frequency attached by ClinVar (database versions not stated): TOPMed below 0.00001; ExAC 0.00002; gnomAD exomes 0.00002.
gnomAD v4.1: 27 of 1,613,998 alleles (0.0017%); highest among the groups gnomAD compares: Non-Finnish European, 0.0022%; no homozygotes.

Submissions (5):

CeGaT Center for Human Genetics Tuebingen
Classification: Likely benign. Last evaluated: 2026-07-01. Review status: criteria provided, single submitter. Criteria: CeGaT Center For Human Genetics Tuebingen Variant Classification Criteria Version 2. Collection method: clinical testing. Allele origin: germline. Affected: yes. Observed: 1 variant allele.
Comment: CTNNA1: BP4, BP7

Labcorp Genetics (formerly Invitae), Labcorp
Classification: Likely benign. Last evaluated: 2026-01-13. Review status: criteria provided, single submitter. Criteria: Invitae Variant Classification Sherloc (09022015). Collection method: clinical testing. Allele origin: germline.

Myriad Genetics, Inc.
Classification: Benign for Hereditary diffuse gastric adenocarcinoma. Last evaluated: 2024-10-15. Review status: criteria provided, single submitter. Criteria: Myriad Autosomal Dominant, Autosomal Recessive and X-Linked Classification Criteria (2023). Collection method: clinical testing. Allele origin: unknown.
Comment: This variant is considered benign. This variant is a silent/synonymous amino acid change and it is not expected to impact splicing.

Blueprint Genetics
Classification: Likely benign. Last evaluated: 2023-01-23. Review status: criteria provided, single submitter. Criteria: ACMG Guidelines, 2015. Collection method: clinical testing. Allele origin: germline.

Ambry Genetics
Classification: Likely benign for Hereditary cancer-predisposing syndrome. Last evaluated: 2020-04-22. Review status: criteria provided, single submitter. Criteria: Ambry Variant Classification Scheme 2023. Collection method: clinical testing. Allele origin: germline.